The following is an entry in ClinVar:

NM_138420.4(AHNAK2):c.12871A>G (p.Met4291Val)

Gene: AHNAK2 (AHNAK nucleoprotein 2; minus strand). Cytogenetic location: 14q32.33.
Variant type: single nucleotide variant.
Coding change: c.12871A>G on transcript NM_138420.4 (MANE Select); coding-DNA position 12871, A replaced by G.
Protein change: p.Met4291Val; replaces methionine 4291 with valine.
Molecular consequence: missense variant.
Genome position (GRCh38, 1-based): chr14:104,942,580, T>C on the plus strand (A>G on the coding strand, the complement: AHNAK2 is on the minus strand). VCF-style: chr14-104942580-T-C. GRCh37 (hg19) VCF-style: chr14-105408917-T-C.
Other names: c.12571A>G, p.Met4191Val (NM_001350929.2); short protein forms M4191V, M4291V.
Identifiers: ClinVar variation 4027468 (VCV004027468.7).
Genomic context (GRCh38, chr14:104,942,580, plus strand): 5'-ACACCCCGAACGACGGCATCTTGAACTTGGGCATTTTGAACTTGCTGTCTTTGGCAGTCA[T>C]GTCCTTGTCGGCTAGGGACAGGTCACCCTCCAGCCGCACACTGTCCAGCTTGGCTCCCGG-3'
Protein context (NP_612429.2, residues 4281-4301): EGDLSLADKD[Met4291Val]TAKDSKFKMP

ClinVar aggregate classification (germline): Likely benign. Review status: criteria provided, multiple submitters, no conflicts (2 of 4 stars). 2 submissions from 2 submitters: Likely benign (2). Last evaluated 2025-11-01.

Submissions (2):

CeGaT Center for Human Genetics Tuebingen
Classification: Likely benign. Last evaluated: 2025-11-01. Review status: criteria provided, single submitter. Criteria: CeGaT Center For Human Genetics Tuebingen Variant Classification Criteria Version 2. Collection method: clinical testing. Allele origin: germline. Affected: yes. Observed: 1 variant allele.
Comment: AHNAK2: BP4, BS2

Ambry Genetics
Classification: Likely benign. Last evaluated: 2025-03-18. Review status: criteria provided, single submitter. Criteria: Ambry Variant Classification Scheme 2023. Collection method: clinical testing. Allele origin: germline.